The following is an entry in ClinVar:

NM_001099857.5(IKBKG):c.706C>T (p.Gln236Ter)

Gene: IKBKG (inhibitor of nuclear factor kappa B kinase regulatory subunit gamma; plus strand). Cytogenetic location: Xq28.
Variant type: single nucleotide variant.
Coding change: c.706C>T on transcript NM_001099857.5 (MANE Select); coding-DNA position 706, C replaced by T.
Protein change: p.Gln236Ter; replaces glutamine 236 with a stop codon.
Molecular consequence: nonsense. On other transcripts: non-coding transcript variant (1), intron variant (1).
Genome position (GRCh38, 1-based): chrX:154,561,722, C>T. VCF-style: chrX-154561722-C-T. GRCh37 (hg19) VCF-style: chrX-153789937-C-T.
Other names: c.910C>T, p.Gln304Ter (NM_001099856.6); c.553C>T, p.Gln185Ter (NM_001145255.4); c.706C>T, p.Gln236Ter (NM_001321396.3, NM_001377312.1, NM_003639.4); c.703C>T, p.Gln235Ter (NM_001321397.3, NM_001377313.1); c.550C>T, p.Gln184Ter (NM_001377314.1); c.400-1088C>T (NM_001377315.1); c.706C>T (NM_003639.3); short protein forms Q184*, Q185*, Q235*, Q236*, Q304*.
Identifiers: ClinVar variation 974981 (VCV000974981.3), dbSNP rs2071133474, ClinGen allele CA415215288.

ClinVar aggregate classification (germline): Pathogenic/Likely pathogenic. Review status: criteria provided, multiple submitters, no conflicts (2 of 4 stars). 2 submissions from 2 submitters: Pathogenic (1); Likely pathogenic (1). Last evaluated 2022-05-10.

Conditions:
Incontinentia pigmenti syndrome (IP). Also called: BLOCH-SULZBERGER SYNDROME; INCONTINENTIA PIGMENTI, TYPE II; Incontinentia Pigmenti; INCONTINENTIA PIGMENTI, FAMILIAL MALE-LETHAL TYPE. Identifiers: Orphanet 464, MedGen C0021171, MONDO:0010631, OMIM 308300.

Submissions (2):

GeneDx
Classification: Likely pathogenic. Last evaluated: 2022-05-10. Review status: criteria provided, single submitter. Criteria: GeneDx Variant Classification Process June 2021. Collection method: clinical testing. Allele origin: germline. Affected: yes.
Comment: Nonsense variant predicted to result in protein truncation or nonsense mediated decay in a gene for which loss of function is a known mechanism of disease; No data available from control populations to assess the frequency of this variant; This variant is associated with the following publications: (PMID: 25525159, 11590134)

Women's Health and Genetics/Laboratory Corporation of America, LabCorp
Classification: Pathogenic for Incontinentia pigmenti syndrome. Last evaluated: 2020-07-02. Review status: criteria provided, single submitter. Criteria: LabCorp Variant Classification Summary - May 2015. Collection method: clinical testing. Allele origin: germline.
Comment: Variant summary: IKBKG c.706C>T (p.Gln236X) results in a premature termination codon, predicted to cause a truncation of the encoded protein or absence of the protein due to nonsense mediated decay, which are commonly known mechanisms for disease. The frequency of this variant in the general population could not be determined in gnomAD. c.706C>T has been reported in the literature in individuals affected with Incontinentia Pigmenti (e.g. Aradhya_2001, Fusco_2008). These data indicate that the variant is likely to be associated with disease. To our knowledge, no experimental evidence demonstrating an impact on protein function has been reported. No clinical diagnostic laboratories have submitted clinical-significance assessments for this variant to ClinVar after 2014. Based on the evidence outlined above, the variant was classified as pathogenic.

Literature cited by the submitters: PubMed 11590134 (cited by Women's Health and Genetics/Laboratory Corporation of America, LabCorp); PubMed 18350553 (cited by Women's Health and Genetics/Laboratory Corporation of America, LabCorp).